The following is an entry in ClinVar:

ClinVar aggregate classification (germline): Uncertain significance (1 of 4 stars; one submission).

Submission:

GeneDx
Classification: Uncertain significance. Last evaluated: 2023-07-27. Review status: criteria provided, single submitter. Criteria: GeneDx Variant Classification Process June 2021. Collection method: clinical testing. Allele origin: germline. Affected: yes.
Comment: Not observed at significant frequency in large population cohorts (gnomAD); In silico analysis supports that this missense variant has a deleterious effect on protein structure/function; Has not been previously published as pathogenic or benign to our knowledge

NM_001372044.2(SHANK3):c.3331G>C (p.Glu1111Gln)

Gene: SHANK3 (SH3 and multiple ankyrin repeat domains 3; plus strand). Cytogenetic location: 22q13.33.
Variant type: single nucleotide variant.
Coding change: c.3331G>C on transcript NM_001372044.2 (MANE Select); coding-DNA position 3331, G replaced by C.
Protein change: p.Glu1111Gln; replaces glutamic acid 1111 with glutamine.
Molecular consequence: missense variant.
Genome position (GRCh38, 1-based): chr22:50,720,939, G>C. VCF-style: chr22-50720939-G-C. GRCh37 (hg19) VCF-style: chr22-51159367-G-C.
Other names: c.3106G>C (NM_033517.1); short protein forms E1111Q.
Identifiers: ClinVar variation 3361412 (VCV003361412.1).